The following is an entry in ClinVar:

NM_000256.3(MYBPC3):c.3108C>A (p.Arg1036=)

Gene: MYBPC3 (myosin binding protein C3; minus strand). Cytogenetic location: 11p11.2.
Variant type: single nucleotide variant.
Coding change: c.3108C>A on transcript NM_000256.3 (MANE Select); coding-DNA position 3108, C replaced by A.
Protein change: p.Arg1036=; no amino-acid change (arginine 1036 retained).
Molecular consequence: synonymous variant.
Genome position (GRCh38, 1-based): chr11:47,333,639, G>T on the plus strand (C>A on the coding strand, the complement: MYBPC3 is on the minus strand). VCF-style: chr11-47333639-G-T. GRCh37 (hg19) VCF-style: chr11-47355190-G-T.
Other names: c.3108C>A, p.Arg1036= (LRG_386t1).
Identifiers: ClinVar variation 386043 (VCV000386043.15), dbSNP rs747059136, ClinGen allele CA16605920.

ClinVar aggregate classification (germline): Likely benign. Review status: criteria provided, multiple submitters, no conflicts (2 of 4 stars). 6 submissions from 6 submitters: Likely benign (6). Last evaluated 2024-11-27.

Conditions:
Cardiovascular phenotype. Identifiers: MedGen CN230736.
Cardiomyopathy (CMYO). Also called: Cardiomyopathies. Identifiers: Orphanet 167848, MedGen C0878544, MONDO:0004994, HP:0001638. Inheritance: Various modes of inheritance.
Hypertrophic cardiomyopathy. Also called: HYPERTROPHIC MYOCARDIOPATHY. Identifiers: Orphanet 217569, MedGen C0007194, MeSH D002312, MONDO:0005045, HP:0001639.

Allele frequency attached by ClinVar (database versions not stated): TOPMed below 0.00001; gnomAD 0.00001.
gnomAD v4.1: 4 of 1,608,324 alleles (0.00025%); highest among the groups gnomAD compares: Admixed American, 0.0067%; no homozygotes.

Submissions (6):

Blueprint Genetics
Classification: Likely benign. Last evaluated: 2024-11-27. Review status: criteria provided, single submitter. Criteria: ACMG Guidelines, 2015. Collection method: clinical testing. Allele origin: germline.

Labcorp Genetics (formerly Invitae), Labcorp
Classification: Likely benign for Hypertrophic cardiomyopathy. Last evaluated: 2024-03-19. Review status: criteria provided, single submitter. Criteria: Invitae Variant Classification Sherloc (09022015). Collection method: clinical testing. Allele origin: germline.

All of Us Research Program, National Institutes of Health
Classification: Likely benign for Hypertrophic cardiomyopathy. Last evaluated: 2023-12-13. Review status: criteria provided, single submitter. Criteria: ACMG Guidelines, 2015. Collection method: clinical testing. Allele origin: germline. Inheritance: Autosomal dominant inheritance. Observed: 2 variant alleles, 2 heterozygotes.
Comment: This study involves interpretation of variants in research participants for the purpose of population health screening. Participant phenotype was not available at the time of variant classification. Additional details can be found in publication PMID: 35346344, PMCID: PMC8962531

Ambry Genetics
Classification: Likely benign for Cardiovascular phenotype. Last evaluated: 2023-07-27. Review status: criteria provided, single submitter. Criteria: Ambry Variant Classification Scheme 2023. Collection method: clinical testing. Allele origin: germline.

Color Diagnostics, LLC DBA Color Health
Classification: Likely benign for Cardiomyopathy. Last evaluated: 2023-04-11. Review status: criteria provided, single submitter. Criteria: ACMG Guidelines, 2015. Collection method: clinical testing. Allele origin: germline.

GeneDx
Classification: Likely benign. Last evaluated: 2016-05-05. Review status: criteria provided, single submitter. Criteria: GeneDx Variant Classification (06012015). Collection method: clinical testing. Allele origin: germline. Affected: yes.
Comment: This variant is considered likely benign or benign based on one or more of the following criteria: it is a conservative change, it occurs at a poorly conserved position in the protein, it is predicted to be benign by multiple in silico algorithms, and/or has population frequency not consistent with disease.